The following is an entry in ClinVar:

NM_000218.3(KCNQ1):c.1514+5344C>T

Genes: KCNQ1 (potassium voltage-gated channel subfamily Q member 1; plus strand), KCNQ1OT1 (KCNQ1 opposite strand/antisense transcript 1; minus strand). Cytogenetic location: 11p15.5.
Variant type: single nucleotide variant.
Coding change: c.1514+5344C>T on transcript NM_000218.3 (MANE Select); 5344 bases into the intron after coding-DNA position 1514, C replaced by T.
Molecular consequence: intron variant. On other transcripts: non-coding transcript variant (1).
Genome position (GRCh38, 1-based): chr11:2,667,425, C>T. VCF-style: chr11-2667425-C-T. GRCh37 (hg19) VCF-style: chr11-2688655-C-T.
Other names: c.1244+5344C>T (NM_001406837.1); c.1418+5344C>T (NM_001406836.1); c.974+5344C>T (NM_001406838.1); c.1133+5344C>T (NM_181798.2).
Identifiers: ClinVar variation 3037944 (VCV003037944.17), dbSNP rs759673392, ClinGen allele CA216175789.
Genomic context (GRCh38, chr11:2,667,425, plus strand): 5'-TCCAAATCACCCTGCCCCAGTGCACTCTGGCCAGGCTCAGCCCTCTCCACTTGTGAACTC[C>T]CAGCCATGATGCTGCTCAGGTCCTCAGCCAAGCAGATGGTGTTGGAGGATGTGACAGAGA-3'

ClinVar aggregate classification (germline): Likely benign. Review status: criteria provided, single submitter (1 of 4 stars). 2 submissions from 2 submitters: Likely benign (1). 1 of the submissions does not count toward it. Last evaluated 2025-10-01.

Conditions:
KCNQ1-related disorder. Also called: KCNQ1-related disorders; KCNQ1-related condition. Identifiers: MedGen CN239322.

Allele frequency attached by ClinVar (database versions not stated): TOPMed 0.00058; gnomAD 0.00109; gnomAD exomes 0.00138.
gnomAD v4.1: 500 of 398,728 alleles (0.13%); highest among the groups gnomAD compares: Non-Finnish European, 0.12%; no homozygotes.

Submissions (2):

CeGaT Center for Human Genetics Tuebingen
Classification: Likely benign. Last evaluated: 2025-10-01. Review status: criteria provided, single submitter. Criteria: CeGaT Center For Human Genetics Tuebingen Variant Classification Criteria Version 2. Collection method: clinical testing. Allele origin: germline. Affected: yes. Observed: 4 variant alleles.
Comment: KCNQ1OT1: BS2

PreventionGenetics, part of Exact Sciences
Classification: Likely benign for KCNQ1-related condition. Last evaluated: 2023-05-16. Review status: no assertion criteria provided. Collection method: clinical testing. Allele origin: germline. Not counted in ClinVar's aggregate classification.
Comment: This variant is classified as likely benign based on ACMG/AMP sequence variant interpretation guidelines (Richards et al. 2015 PMID: 25741868, with internal and published modifications).